The following is an entry in ClinVar:

NM_000094.4(COL7A1):c.4252_4258del (p.Ile1418fs)

Gene: COL7A1 (collagen type VII alpha 1 chain; minus strand). Cytogenetic location: 3p21.31.
Variant type: Deletion.
Coding change: c.4252_4258del on transcript NM_000094.4 (MANE Select); coding-DNA positions 4252 to 4258, 7 bases deleted (ATTGCTC; older notation c.4252_4258delATTGCTC).
Protein change: p.Ile1418fs; shifts the reading frame from isoleucine 1418.
Molecular consequence: frameshift variant.
Genome position (GRCh38, 1-based): chr3:48,583,920-48,583,926, GAGCAAT deleted on the plus strand (ATTGCTC on the coding strand, the reverse complement: COL7A1 is on the minus strand); deleting any 7 consecutive bases within chr3:48,583,920-48,583,927 gives the same sequence; the c. name uses the placement nearest the transcript's 3' end. VCF-style (leftmost placement, unchanged base first): chr3-48583919-GGAGCAAT-G. GRCh37 (hg19) VCF-style: chr3-48621352-GGAGCAAT-G.
Other names: short protein forms I1418fs.
Identifiers: ClinVar variation 5015069 (VCV005015069.1).

ClinVar aggregate classification (germline): Pathogenic (1 of 4 stars; one submission).

Conditions:
Recessive dystrophic epidermolysis bullosa (RDEB). Also called: DYSTROPHIC EPIDERMOLYSIS BULLOSA, AUTOSOMAL RECESSIVE; EPIDERMOLYSIS BULLOSA DYSTROPHICA, HALLOPEAU-SIEMENS TYPE; Hallopeau-Siemens Disease; severe generalized recessive dystrophic epidermolysis bullosa; EPIDERMOLYSIS BULLOSA DYSTROPHICA, GENERALIZED SEVERE, AUTOSOMAL RECESSIVE; Epidermolysis Bullosa Distrophica Autosomal Recessive (RDEB). Identifiers: Orphanet 79408, Orphanet 79409, MedGen C0079474, MONDO:0009179, OMIM 226600.

Submission:

Myriad Genetics, Inc.
Classification: Pathogenic for Recessive dystrophic epidermolysis bullosa. Last evaluated: 2025-10-09. Review status: criteria provided, single submitter. Criteria: Myriad Autosomal Dominant, Autosomal Recessive and X-Linked Classification Criteria (2023). Collection method: clinical testing. Allele origin: unknown.
Comment: NM_000094.3(COL7A1):c.4252_4258del7(I1418Lfs*290) is expected to be pathogenic in the context of dystrophic epidermolysis bullosa. This variant is predicted to lead to an abnormal or absent protein product due to the creation of a premature termination codon in COL7A1, a gene where loss-of-function variants are known to be pathogenic. Please note: this variant was assessed in the context of healthy population screening.